The following is an entry in ClinVar:

ClinVar aggregate classification (germline): Uncertain significance. Review status: criteria provided, multiple submitters, no conflicts (2 of 4 stars). 3 submissions from 3 submitters: Uncertain significance (3). Last evaluated 2021-09-01.

Conditions:
Inborn genetic diseases. Identifiers: MedGen C0950123, MeSH D030342.
Carnitine palmitoyl transferase 1A deficiency. Also called: CPT I DEFICIENCY; CPT DEFICIENCY, HEPATIC, TYPE I; CPT deficiency, hepatic, type IA; Carnitine palmitoyltransferase 1A deficiency; Carnitine palmitoyltransferase type I deficiency. Identifiers: Orphanet 156, MedGen C1829703, MONDO:0009705, OMIM 255120.

Allele frequency attached by ClinVar (database versions not stated): ExAC 0.00001; gnomAD 0.00001; gnomAD exomes 0.00001.
gnomAD v4.1: 9 of 1,613,924 alleles (0.00056%); highest among the groups gnomAD compares: East Asian, 0.0022%; no homozygotes.

Submissions (3):

Labcorp Genetics (formerly Invitae), Labcorp
Classification: Uncertain significance for Carnitine palmitoyl transferase 1A deficiency. Last evaluated: 2021-09-01. Review status: criteria provided, single submitter. Criteria: Invitae Variant Classification Sherloc (09022015). Collection method: clinical testing. Allele origin: germline.
Comment: This sequence change replaces arginine with glutamine at codon 595 of the CPT1A protein (p.Arg595Gln). The arginine residue is highly conserved and there is a small physicochemical difference between arginine and glutamine. This variant is present in population databases (rs763226691, ExAC 0.002%). This variant has not been reported in the literature in individuals affected with CPT1A-related conditions. Algorithms developed to predict the effect of missense changes on protein structure and function are either unavailable or do not agree on the potential impact of this missense change (SIFT: "Deleterious"; PolyPhen-2: "Probably Damaging"; Align-GVGD: "Class C0"). Algorithms developed to predict the effect of sequence changes on RNA splicing suggest that this variant may create or strengthen a splice site. In summary, the available evidence is currently insufficient to determine the role of this variant in disease. Therefore, it has been classified as a Variant of Uncertain Significance.

Ambry Genetics
Classification: Uncertain significance for Inborn genetic diseases. Last evaluated: 2021-08-16. Review status: criteria provided, single submitter. Criteria: Ambry Variant Classification Scheme 2023. Collection method: clinical testing. Allele origin: germline.

Neuberg Centre For Genomic Medicine, NCGM
Classification: Uncertain significance for Carnitine palmitoyl transferase 1A deficiency. Review status: criteria provided, single submitter. Criteria: ACMG Guidelines, 2015. Collection method: clinical testing. Allele origin: germline. Inheritance: Autosomal recessive inheritance. Affected: yes.
Comment: The c.1784G>A (p.Arg595Gln) missense variant in CPT1A gene has not been reported previously as a pathogenic variant nor as a benign variant, to our knowledge. The p.Arg595Gln variant is reported with the allele frequency (0.0007%) in the gnomAD Exomes and is novel (not in any individuals) in 1000 Genomes. The amino acid Arg at position 595 is changed to a Gln changing protein sequence and it might alter its composition and physico-chemical properties. The amino acid change p.Arg595Gln in CPT1A is predicted as conserved by GERP++ and PhyloP across 100 vertebrates. For these reasons, this variant has been classified as Variant of Uncertain Significance (VUS).

NM_001876.4(CPT1A):c.1784G>A (p.Arg595Gln)

Gene: CPT1A (carnitine palmitoyltransferase 1A; minus strand). Cytogenetic location: 11q13.3.
Variant type: single nucleotide variant.
Coding change: c.1784G>A on transcript NM_001876.4 (MANE Select); coding-DNA position 1784, G replaced by A.
Protein change: p.Arg595Gln; replaces arginine 595 with glutamine.
Molecular consequence: missense variant.
Genome position (GRCh38, 1-based): chr11:68,762,718, C>T on the plus strand (G>A on the coding strand, the complement: CPT1A is on the minus strand). VCF-style: chr11-68762718-C-T. GRCh37 (hg19) VCF-style: chr11-68530186-C-T.
Other names: c.1784G>A, p.Arg595Gln (NM_001031847.3); short protein forms R595Q.
Identifiers: ClinVar variation 2058964 (VCV002058964.3), dbSNP rs763226691, ClinGen allele CA6152200.